The following is an entry in ClinVar:

NM_000138.5(FBN1):c.5589G>T (p.Gly1863=)

Gene: FBN1 (fibrillin 1; minus strand). Cytogenetic location: 15q21.1.
Variant type: single nucleotide variant.
Coding change: c.5589G>T on transcript NM_000138.5 (MANE Select); coding-DNA position 5589, G replaced by T.
Protein change: p.Gly1863=; no amino-acid change (glycine 1863 retained).
Molecular consequence: synonymous variant.
Genome position (GRCh38, 1-based): chr15:48,448,850, C>A on the plus strand (G>T on the coding strand, the complement: FBN1 is on the minus strand). VCF-style: chr15-48448850-C-A. GRCh37 (hg19) VCF-style: chr15-48741047-C-A.
Other names: c.5589G>T, p.Gly1863= (NM_001406716.1).
Identifiers: ClinVar variation 3050282 (VCV003050282.2), dbSNP rs1566899552, ClinGen allele CA490023275.

ClinVar aggregate classification (germline): Likely benign (0 of 4 stars; one submission).

Conditions:
FBN1-related disorder. Also called: FBN1-related disorders.

Submission:

PreventionGenetics, part of Exact Sciences
Classification: Likely benign for FBN1-related condition. Last evaluated: 2023-08-09. Review status: no assertion criteria provided. Collection method: clinical testing. Allele origin: germline.
Comment: This variant is classified as likely benign based on ACMG/AMP sequence variant interpretation guidelines (Richards et al. 2015 PMID: 25741868, with internal and published modifications).